The following is an entry in ClinVar:

NM_001232.4(CASQ2):c.213del (p.Gln71fs)

Gene: CASQ2 (calsequestrin 2; minus strand). Cytogenetic location: 1p13.1.
Variant type: Deletion.
Coding change: c.213del on transcript NM_001232.4 (MANE Select); coding-DNA position 213, one base deleted (A; older notation c.213delA).
Protein change: p.Gln71fs; shifts the reading frame from glutamine 71.
Molecular consequence: frameshift variant.
Genome position (GRCh38, 1-based): chr1:115,768,329, T deleted on the plus strand (A on the coding strand, the reverse complement: CASQ2 is on the minus strand); the first of 2 consecutive T bases (chr1:115,768,329-115,768,330); deleting either gives the same sequence. VCF-style (leftmost placement, unchanged base first): chr1-115768328-GT-G. GRCh37 (hg19) VCF-style: chr1-116310949-GT-G.
Other names: c.213delA (NM_001232.3); short protein forms Q71fs.
Identifiers: ClinVar variation 190759 (VCV000190759.18), dbSNP rs786205799, ClinGen allele CA301946.

ClinVar aggregate classification (germline): Pathogenic/Likely pathogenic. Review status: criteria provided, multiple submitters, no conflicts (2 of 4 stars). 4 submissions from 4 submitters: Pathogenic (1); Likely pathogenic (3). Last evaluated 2024-02-01.

Conditions:
Catecholaminergic polymorphic ventricular tachycardia 2. Also called: VENTRICULAR TACHYCARDIA, STRESS-INDUCED POLYMORPHIC 2; CASQ2-Related Catecholaminergic Polymorphic Ventricular Tachycardia. Identifiers: Orphanet 3286, MedGen C2677794, MONDO:0012762, OMIM 611938.
Catecholaminergic polymorphic ventricular tachycardia 1. Also called: VENTRICULAR TACHYCARDIA, CATECHOLAMINERGIC POLYMORPHIC, 1, WITH OR WITHOUT ATRIAL DYSFUNCTION AND/OR DILATED CARDIOMYOPATHY; VENTRICULAR TACHYCARDIA, STRESS-INDUCED POLYMORPHIC 1; RYR2-Related Catecholaminergic Polymorphic Ventricular Tachycardia. Identifiers: Orphanet 3286, MedGen C1631597, MONDO:0011484, OMIM 604772.

Submissions (4):

CeGaT Center for Human Genetics Tuebingen
Classification: Likely pathogenic. Last evaluated: 2024-02-01. Review status: criteria provided, single submitter. Criteria: CeGaT Center For Human Genetics Tuebingen Variant Classification Criteria Version 2. Collection method: clinical testing. Allele origin: germline. Affected: yes. Observed: 1 variant allele.
Comment: CASQ2: PVS1:Strong, PM2, PS4:Supporting

Genome-Nilou Lab
Classification: Likely pathogenic for Catecholaminergic polymorphic ventricular tachycardia 2. Last evaluated: 2023-04-11. Review status: criteria provided, single submitter. Criteria: ACMG Guidelines, 2015. Collection method: clinical testing. Allele origin: germline. Affected: no.

Fulgent Genetics
Classification: Likely pathogenic for Catecholaminergic polymorphic ventricular tachycardia 1; Catecholaminergic polymorphic ventricular tachycardia 2. Last evaluated: 2021-08-05. Review status: criteria provided, single submitter. Criteria: ACMG Guidelines, 2015. Collection method: clinical testing. Allele origin: unknown.

GeneDx
Classification: Pathogenic. Last evaluated: 2012-04-12. Review status: criteria provided, single submitter. Criteria: GeneDx Variant Classification (06012015). Collection method: clinical testing. Allele origin: germline. Affected: yes.
Comment: The c.213delA mutation in the CASQ2 gene has not been reported previously as a disease-causing mutation nor as a benign polymorphism, to our knowledge. This mutation causes a shift in reading frame beginning with codon Glutamine 71, changing it to a Histidine, and creates a premature stop codon at position 2 of the new reading frame. This mutation is expected to result in an abnormal, truncated protein or in absence of protein from this allele due to mRNA decay. A heterozygous truncating mutation (Arg33Stop) has been reported in the CASQ2 gene in one patient with CPVT (Postma A et al., 2002). This single mutation was also identified in three normal relatives and two others who demonstrated ventricular arrhythmia during exercise (Postma A et al., 2002). This finding led the authors to hypothesize that this nonsense mutation may represent a novel autosomal dominant CASQ2 mutation or that a second mutation was present but not identified. Several homozygous or compound heterozygous frameshift mutations have been reported in association with CPVT. In summary, as CPVT due to mutations in the CASQ2 gene is an autosomal recessive disease, it is expected that an affected individual would harbor mutations in the CASQ2 gene on both alleles.